The following is an entry in ClinVar:

ClinVar aggregate classification (germline): Uncertain significance (1 of 4 stars; one submission).

Submission:

Labcorp Genetics (formerly Invitae), Labcorp
Classification: Uncertain significance. Last evaluated: 2022-04-17. Review status: criteria provided, single submitter. Criteria: Invitae Variant Classification Sherloc (09022015). Collection method: clinical testing. Allele origin: germline.
Comment: This sequence change replaces glutamic acid, which is acidic and polar, with aspartic acid, which is acidic and polar, at codon 434 of the PCDH15 protein (p.Glu434Asp). This variant is not present in population databases (gnomAD no frequency). This variant has not been reported in the literature in individuals affected with PCDH15-related conditions. Algorithms developed to predict the effect of missense changes on protein structure and function are either unavailable or do not agree on the potential impact of this missense change (SIFT: "Tolerated"; PolyPhen-2: "Probably Damaging"; Align-GVGD: "Class C0"). In summary, the available evidence is currently insufficient to determine the role of this variant in disease. Therefore, it has been classified as a Variant of Uncertain Significance.

NM_001384140.1(PCDH15):c.1302A>C (p.Glu434Asp)

Gene: PCDH15 (protocadherin related 15; minus strand). Cytogenetic location: 10q21.1.
Variant type: single nucleotide variant.
Coding change: c.1302A>C on transcript NM_001384140.1 (MANE Select); coding-DNA position 1302, A replaced by C.
Protein change: p.Glu434Asp; replaces glutamic acid 434 with aspartic acid.
Molecular consequence: missense variant.
Genome position (GRCh38, 1-based): chr10:54,195,686, T>G on the plus strand (A>C on the coding strand, the complement: PCDH15 is on the minus strand). VCF-style: chr10-54195686-T-G. GRCh37 (hg19) VCF-style: chr10-55955446-T-G.
Other names: c.1317A>C, p.Glu439Asp (NM_001142763.2, NM_001142769.4, NM_001142771.2); c.1302A>C, p.Glu434Asp (NM_001142764.2, NM_001142765.2, NM_001142766.2 and 7 more transcripts); c.1191A>C, p.Glu397Asp (NM_001142767.2); c.1236A>C, p.Glu412Asp (NM_001142768.2, NM_001142773.2, NM_001354404.2); short protein forms E397D, E439D, E434D, E412D.
Identifiers: ClinVar variation 2127188 (VCV002127188.1), dbSNP rs2049532704, ClinGen allele CA376518503.